The following is an entry in ClinVar:

NM_183357.3(ADCY5):c.144C>T (p.Gly48=)

Gene: ADCY5 (adenylate cyclase 5; minus strand). Cytogenetic location: 3q21.1.
Variant type: single nucleotide variant.
Coding change: c.144C>T on transcript NM_183357.3 (MANE Select); coding-DNA position 144, C replaced by T.
Protein change: p.Gly48=; no amino-acid change (glycine 48 retained).
Molecular consequence: synonymous variant.
Genome position (GRCh38, 1-based): chr3:123,448,402, G>A on the plus strand (C>T on the coding strand, the complement: ADCY5 is on the minus strand). VCF-style: chr3-123448402-G-A. GRCh37 (hg19) VCF-style: chr3-123167249-G-A.
Other names: c.144C>T, p.Gly48= (NM_001378259.1).
Identifiers: ClinVar variation 1164246 (VCV001164246.21), dbSNP rs4678027, ClinGen allele CA2577738.

ClinVar aggregate classification (germline): Benign. Review status: criteria provided, multiple submitters, no conflicts (2 of 4 stars). 7 submissions from 7 submitters: Benign (5). 2 of the submissions do not count toward it. Last evaluated 2026-02-04.

Conditions:
Dyskinesia with orofacial involvement, autosomal dominant (DSKOD). Also called: Dyskinesia, familial, with facial myokymia; Familial dyskinesia and facial myokymia; Familial Dyskinesia with Facial Myokymia (FDFM). Identifiers: Orphanet 324588, MedGen C1847627, MONDO:0800028, OMIM 606703.

Allele frequency attached by ClinVar (database versions not stated): 1000 Genomes Project 30x 0.98657; 1000 Genomes Project 0.98662; ESP Exome Variant Server 0.99127; ExAC 0.99870; gnomAD exomes 0.99887 and 0.99897; TOPMed 0.98696; gnomAD 0.98741 and 0.98820.
gnomAD v4.1: 1,419,460 of 1,422,806 alleles (100%); highest among the groups gnomAD compares: East Asian, 100%; 708,135 homozygotes.

Submissions (7):

Labcorp Genetics (formerly Invitae), Labcorp
Classification: Benign. Last evaluated: 2026-02-04. Review status: criteria provided, single submitter. Criteria: Invitae Variant Classification Sherloc (09022015). Collection method: clinical testing. Allele origin: germline.

Unidad de Genómica Garrahan, Hospital de Pediatría Garrahan
Classification: Benign. Last evaluated: 2024-07-31. Review status: criteria provided, single submitter. Criteria: ACMG Guidelines, 2015. Collection method: clinical testing. Allele origin: germline. Affected: no. Observed: 93 variant alleles.
Comment: This variant is classified as Benign based on local population frequency. This variant was detected in 100% of patients studied in a panel designed for Epileptic and Developmental Encephalopathy, Progressive Myoclonus Epilepsy and Abnormal Movements and Neurodegeneration with brain iron accumulation. Number of patients: 93. Only high quality variants are reported.

Genome-Nilou Lab
Classification: Benign for Dyskinesia with orofacial involvement, autosomal dominant. Last evaluated: 2021-07-14. Review status: criteria provided, single submitter. Criteria: ACMG Guidelines, 2015. Collection method: clinical testing. Allele origin: germline. Affected: no.

GeneDx
Classification: Benign. Last evaluated: 2018-07-05. Review status: criteria provided, single submitter. Criteria: GeneDx Variant Classification Process June 2021. Collection method: clinical testing. Allele origin: germline. Affected: yes.

Breakthrough Genomics
Classification: Benign. Review status: criteria provided, single submitter. Criteria: ACMG Guidelines, 2015. Collection method: not provided. Allele origin: germline. Inheritance: Autosomal recessive inheritance. Affected: yes.

Diagnostic Laboratory, Department of Genetics, University Medical Center Groningen
Classification: Benign. Review status: no assertion criteria provided. Collection method: clinical testing. Allele origin: germline. Affected: yes. Study: VKGL Data-share Consensus. Not counted in ClinVar's aggregate classification.

Joint Genome Diagnostic Labs from Nijmegen and Maastricht, Radboudumc and MUMC+
Classification: Benign. Review status: no assertion criteria provided. Collection method: clinical testing. Allele origin: germline. Affected: yes. Study: VKGL Data-share Consensus. Not counted in ClinVar's aggregate classification.